The following is an entry in ClinVar:

NM_001267550.2(TTN):c.10050G>A (p.Pro3350=)

Gene: TTN (titin; minus strand). Cytogenetic location: 2q31.2.
Variant type: single nucleotide variant.
Coding change: c.10050G>A on transcript NM_001267550.2 (MANE Select); coding-DNA position 10050, G replaced by A.
Protein change: p.Pro3350=; no amino-acid change (proline 3350 retained).
Molecular consequence: synonymous variant.
Genome position (GRCh38, 1-based): chr2:178,764,241, C>T on the plus strand (G>A on the coding strand, the complement: TTN is on the minus strand). VCF-style: chr2-178764241-C-T. GRCh37 (hg19) VCF-style: chr2-179628968-C-T.
Other names: c.10050G>A, p.Pro3350= (NM_001256850.1, NM_133378.4, NM_133379.5); c.9912G>A, p.Pro3304= (NM_003319.4, NM_133432.3, NM_133437.4).
Identifiers: ClinVar variation 466684 (VCV000466684.16), dbSNP rs759936737, ClinGen allele CA2004194.

ClinVar aggregate classification (germline): Likely benign. Review status: criteria provided, multiple submitters, no conflicts (2 of 4 stars). 5 submissions from 5 submitters: Likely benign (5). Last evaluated 2026-05-19.

Conditions:
Autosomal recessive limb-girdle muscular dystrophy type 2J (LGMDR10). Also called: Limb-girdle muscular dystrophy, type 2J; MUSCULAR DYSTROPHY, LIMB-GIRDLE, AUTOSOMAL RECESSIVE 10. Identifiers: Orphanet 140922, MedGen C1837342, MONDO:0012127, OMIM 608807.
Dilated cardiomyopathy 1G (CMD1G). Identifiers: Orphanet 154, MedGen C1858763, MONDO:0011400, OMIM 604145.
TTN-related disorder. Also called: TTN-related condition; TTN-related disease; TTN-related disorders.
Cardiovascular phenotype. Identifiers: MedGen CN230736.

Allele frequency attached by ClinVar (database versions not stated): gnomAD 0.00003 and 0.00004; TOPMed 0.00003; ExAC 0.00004.
gnomAD v4.1: 56 of 1,613,882 alleles (0.0035%); highest among the groups gnomAD compares: Middle Eastern, 0.033%; no homozygotes.

Submissions (5):

PreventionGenetics, part of Exact Sciences
Classification: Likely benign for TTN-related condition. Last evaluated: 2026-05-19. Review status: criteria provided, single submitter. Criteria: ACMG Guidelines, 2015. Collection method: clinical testing. Allele origin: germline.
Comment: This variant is classified as likely benign based on ACMG/AMP sequence variant interpretation guidelines (Richards et al. 2015 PMID: 25741868, with internal and published modifications).

Women's Health and Genetics/Laboratory Corporation of America, LabCorp
Classification: Likely benign. Last evaluated: 2026-04-24. Review status: criteria provided, single submitter. Criteria: LabCorp Variant Classification Summary - May 2015. Collection method: clinical testing. Allele origin: germline.

Labcorp Genetics (formerly Invitae), Labcorp
Classification: Likely benign for Dilated cardiomyopathy 1G; Autosomal recessive limb-girdle muscular dystrophy type 2J. Last evaluated: 2025-09-08. Review status: criteria provided, single submitter. Criteria: Invitae Variant Classification Sherloc (09022015). Collection method: clinical testing. Allele origin: germline.

Ambry Genetics
Classification: Likely benign for Cardiovascular phenotype. Last evaluated: 2018-07-05. Review status: criteria provided, single submitter. Criteria: Ambry Variant Classification Scheme 2023. Collection method: clinical testing. Allele origin: germline.

GeneDx
Classification: Likely benign. Last evaluated: 2017-03-29. Review status: criteria provided, single submitter. Criteria: GeneDx Variant Classification (06012015). Collection method: clinical testing. Allele origin: germline. Affected: yes.
Comment: This variant is considered likely benign or benign based on one or more of the following criteria: it is a conservative change, it occurs at a poorly conserved position in the protein, it is predicted to be benign by multiple in silico algorithms, and/or has population frequency not consistent with disease.